The following is an entry in ClinVar:

NM_000059.4(BRCA2):c.8543A>G (p.Glu2848Gly)

Gene: BRCA2 (BRCA2 DNA repair associated; plus strand). Cytogenetic location: 13q13.1.
Variant type: single nucleotide variant.
Coding change: c.8543A>G on transcript NM_000059.4 (MANE Select); coding-DNA position 8543, A replaced by G.
Protein change: p.Glu2848Gly; replaces glutamic acid 2848 with glycine.
Molecular consequence: missense variant. On other transcripts: non-coding transcript variant (1).
Genome position (GRCh38, 1-based): chr13:32,371,011, A>G. VCF-style: chr13-32371011-A-G. GRCh37 (hg19) VCF-style: chr13-32945148-A-G.
Other names: c.8447A>G, p.Glu2816Gly (NM_001406719.1); c.8543A>G, p.Glu2848Gly (NM_001406720.1, NM_001432077.1); c.3611A>G, p.Glu1204Gly (NM_001406721.1); c.2126A>G, p.Glu709Gly (NM_001406722.1); short protein forms E2816G, E2848G, E709G, E1204G.
Identifiers: ClinVar variation 4215891 (VCV004215891.1).

ClinVar aggregate classification (germline): Uncertain significance (1 of 4 stars; one submission).

Conditions:
Hereditary cancer-predisposing syndrome. Also called: Hereditary Cancer Syndrome; Hereditary neoplastic syndrome; Neoplastic Syndromes, Hereditary; Tumor predisposition. Identifiers: Orphanet 140162, MedGen C0027672, MeSH D009386, MONDO:0015356.

Submission:

Ambry Genetics
Classification: Uncertain significance for Hereditary cancer-predisposing syndrome. Last evaluated: 2025-08-05. Review status: criteria provided, single submitter. Criteria: Ambry Variant Classification Scheme 2023. Collection method: clinical testing. Allele origin: germline.
Comment: The p.E2848G variant (also known as c.8543A>G), located in coding exon 19 of the BRCA2 gene, results from an A to G substitution at nucleotide position 8543. The glutamic acid at codon 2848 is replaced by glycine, an amino acid with similar properties. Two saturation genome editing-based studies, including a haploid cell-survival assay and a humanized mouse embryonic stem cell line assay of drug response and survival, are indeterminate for this nucleotide substitution (Huang H et al. Nature. 2025 Feb;638(8050):528-537; Sahu S et al. Nature. 2025 Feb;638(8050):538-545). This amino acid position is well conserved in available vertebrate species. In addition, the in silico prediction for this alteration is inconclusive. Based on the available evidence, the clinical significance of this variant remains unclear.

Literature cited by the submitters: PubMed 39779848; PubMed 39779857.